The following is an entry in ClinVar:

ClinVar aggregate classification (germline): Benign/Likely benign. Review status: criteria provided, multiple submitters, no conflicts (2 of 4 stars). 2 submissions from 2 submitters: Benign (1); Likely benign (1). Last evaluated 2023-02-01.

Conditions:
Autosomal dominant polycystic kidney disease. Identifiers: Orphanet 730, MedGen C0085413, MONDO:0004691.

Allele frequency attached by ClinVar (database versions not stated): ESP Exome Variant Server 0.00008; gnomAD exomes 0.00032 and 0.00074; gnomAD 0.00038 and 0.00040; TOPMed 0.00040; ExAC 0.00060.
gnomAD v4.1: 577 of 1,609,856 alleles (0.036%); highest among the groups gnomAD compares: Admixed American, 0.015%; 2 homozygotes.

Submissions (2):

CeGaT Center for Human Genetics Tuebingen
Classification: Benign. Last evaluated: 2023-02-01. Review status: criteria provided, single submitter. Criteria: CeGaT Center For Human Genetics Tuebingen Variant Classification Criteria Version 2. Collection method: clinical testing. Allele origin: germline. Affected: yes. Observed: 1 variant allele.
Comment: PKD1: BP4, BS1, BS2

Molecular Genetics of Inherited Kidney Disorders Laboratory, Garvan Institute of Medical Research
Classification: Likely benign for Autosomal dominant polycystic kidney disease. Last evaluated: 2019-01-01. Review status: criteria provided, single submitter. Criteria: ACMG Guidelines, 2015. Collection method: research. Allele origin: germline. Affected: yes.

NM_001009944.3(PKD1):c.8335G>A (p.Glu2779Lys)

Gene: PKD1 (polycystin 1, transient receptor potential channel interacting; minus strand). Cytogenetic location: 16p13.3.
Variant type: single nucleotide variant.
Coding change: c.8335G>A on transcript NM_001009944.3 (MANE Select); coding-DNA position 8335, G replaced by A.
Protein change: p.Glu2779Lys; replaces glutamic acid 2779 with lysine.
Molecular consequence: missense variant.
Genome position (GRCh38, 1-based): chr16:2,103,722, C>T on the plus strand (G>A on the coding strand, the complement: PKD1 is on the minus strand). VCF-style: chr16-2103722-C-T. GRCh37 (hg19) VCF-style: chr16-2153723-C-T.
Other names: c.8335G>A, p.Glu2779Lys (NM_000296.4); short protein forms E2779K.
Identifiers: ClinVar variation 976793 (VCV000976793.25), dbSNP rs200491536, ClinGen allele CA7830557.